The following is an entry in ClinVar:

NM_004998.4(MYO1E):c.519C>G (p.Tyr173Ter)

Gene: MYO1E (myosin IE; minus strand). Cytogenetic location: 15q22.2.
Variant type: single nucleotide variant.
Coding change: c.519C>G on transcript NM_004998.4 (MANE Select); coding-DNA position 519, C replaced by G.
Protein change: p.Tyr173Ter; replaces tyrosine 173 with a stop codon.
Molecular consequence: nonsense.
Genome position (GRCh38, 1-based): chr15:59,227,582, G>C on the plus strand (C>G on the coding strand, the complement: MYO1E is on the minus strand). VCF-style: chr15-59227582-G-C. GRCh37 (hg19) VCF-style: chr15-59519781-G-C.
Other names: short protein forms Y173*.
Identifiers: ClinVar variation 4708454 (VCV004708454.1).

ClinVar aggregate classification (germline): Pathogenic (1 of 4 stars; one submission).

Submission:

Labcorp Genetics (formerly Invitae), Labcorp
Classification: Pathogenic. Last evaluated: 2025-02-11. Review status: criteria provided, single submitter. Criteria: Invitae Variant Classification Sherloc (09022015). Collection method: clinical testing. Allele origin: germline.
Comment: This sequence change creates a premature translational stop signal (p.Tyr173*) in the MYO1E gene. It is expected to result in an absent or disrupted protein product. Loss-of-function variants in MYO1E are known to be pathogenic (PMID: 21756023, 23595123, 25349199). This variant is not present in population databases (gnomAD no frequency). This variant has not been reported in the literature in individuals affected with MYO1E-related conditions. Algorithms developed to predict the effect of sequence changes on RNA splicing suggest that this variant may disrupt the consensus splice site. For these reasons, this variant has been classified as Pathogenic.

Literature cited by the submitters: PubMed 21756023; PubMed 23595123; PubMed 25349199.